The following is an entry in ClinVar:

ClinVar aggregate classification (germline): Uncertain significance. Review status: criteria provided, multiple submitters, no conflicts (2 of 4 stars). 2 submissions from 2 submitters: Uncertain significance (2). Last evaluated 2024-04-12.

Conditions:
Inborn genetic diseases. Identifiers: MedGen C0950123, MeSH D030342.
Congenital myasthenic syndrome 8. Also called: MYASTHENIC SYNDROME, CONGENITAL, DUE TO AGRIN DEFICIENCY; Myasthenic syndrome, congenital, 8, with pre- and postsynaptic defects. Identifiers: Orphanet 590, MedGen C3808739, MONDO:0014052, OMIM 615120.

Allele frequency attached by ClinVar (database versions not stated): TOPMed 0.00003; gnomAD 0.00001; ESP Exome Variant Server 0.00008; gnomAD exomes 0.00002; ExAC 0.00003.
gnomAD v4.1: 17 of 1,613,858 alleles (0.0011%); highest among the groups gnomAD compares: African/African-American, 0.0067%; no homozygotes.

Submissions (2):

Ambry Genetics
Classification: Uncertain significance for Inborn genetic diseases. Last evaluated: 2024-04-12. Review status: criteria provided, single submitter. Criteria: Ambry Variant Classification Scheme 2023. Collection method: clinical testing. Allele origin: germline.

Labcorp Genetics (formerly Invitae), Labcorp
Classification: Uncertain significance for Congenital myasthenic syndrome 8. Last evaluated: 2022-07-19. Review status: criteria provided, single submitter. Criteria: Invitae Variant Classification Sherloc (09022015). Collection method: clinical testing. Allele origin: germline.
Comment: This sequence change replaces arginine, which is basic and polar, with tryptophan, which is neutral and slightly polar, at codon 911 of the AGRN protein (p.Arg911Trp). This variant is present in population databases (rs200642681, gnomAD 0.006%). This variant has not been reported in the literature in individuals affected with AGRN-related conditions. ClinVar contains an entry for this variant (Variation ID: 857130). Algorithms developed to predict the effect of missense changes on protein structure and function are either unavailable or do not agree on the potential impact of this missense change (SIFT: "Deleterious"; PolyPhen-2: "Benign"; Align-GVGD: "Class C0"). In summary, the available evidence is currently insufficient to determine the role of this variant in disease. Therefore, it has been classified as a Variant of Uncertain Significance.

NM_198576.4(AGRN):c.2731C>T (p.Arg911Trp)

Gene: AGRN (agrin; plus strand). Cytogenetic location: 1p36.33.
Variant type: single nucleotide variant.
Coding change: c.2731C>T on transcript NM_198576.4 (MANE Select); coding-DNA position 2731, C replaced by T.
Protein change: p.Arg911Trp; replaces arginine 911 with tryptophan.
Molecular consequence: missense variant.
Genome position (GRCh38, 1-based): chr1:1,046,014, C>T. VCF-style: chr1-1046014-C-T. GRCh37 (hg19) VCF-style: chr1-981394-C-T.
Other names: c.2731C>T, p.Arg911Trp (NM_001305275.2); c.2416C>T, p.Arg806Trp (NM_001364727.2); short protein forms R911W, R806W.
Identifiers: ClinVar variation 857130 (VCV000857130.7), dbSNP rs200642681, ClinGen allele CA508788.